The following is an entry in ClinVar:

ClinVar aggregate classification (germline): Uncertain significance. Review status: criteria provided, multiple submitters, no conflicts (2 of 4 stars). 2 submissions from 2 submitters: Uncertain significance (2). Last evaluated 2024-04-26.

Allele frequency attached by ClinVar (database versions not stated): gnomAD 0.00001; gnomAD exomes 0.00001 and 0.00002; TOPMed 0.00001; ExAC 0.00002.
gnomAD v4.1: 22 of 1,597,212 alleles (0.0014%); highest among the groups gnomAD compares: Admixed American, 0.007%; no homozygotes.

Submissions (2):

Blueprint Genetics
Classification: Uncertain significance. Last evaluated: 2024-04-26. Review status: criteria provided, single submitter. Criteria: ACMG Guidelines, 2015. Collection method: clinical testing. Allele origin: germline.

Labcorp Genetics (formerly Invitae), Labcorp
Classification: Uncertain significance. Last evaluated: 2021-10-04. Review status: criteria provided, single submitter. Criteria: Invitae Variant Classification Sherloc (09022015). Collection method: clinical testing. Allele origin: germline.
Comment: This sequence change replaces isoleucine with threonine at codon 24 of the CWC27 protein (p.Ile24Thr). The isoleucine residue is highly conserved and there is a moderate physicochemical difference between isoleucine and threonine. The frequency data for this variant in the population databases is considered unreliable, as metrics indicate poor data quality at this position in the ExAC database. This variant has not been reported in the literature in individuals affected with CWC27-related conditions. Algorithms developed to predict the effect of missense changes on protein structure and function (SIFT, PolyPhen-2, Align-GVGD) all suggest that this variant is likely to be disruptive. In summary, the available evidence is currently insufficient to determine the role of this variant in disease. Therefore, it has been classified as a Variant of Uncertain Significance.

NM_005869.4(CWC27):c.71T>C (p.Ile24Thr)

Gene: CWC27 (CWC27 spliceosome associated cyclophilin; plus strand). Cytogenetic location: 5q12.3.
Variant type: single nucleotide variant.
Coding change: c.71T>C on transcript NM_005869.4 (MANE Select); coding-DNA position 71, T replaced by C.
Protein change: p.Ile24Thr; replaces isoleucine 24 with threonine.
Molecular consequence: missense variant.
Genome position (GRCh38, 1-based): chr5:64,774,719, T>C. VCF-style: chr5-64774719-T-C. GRCh37 (hg19) VCF-style: chr5-64070546-T-C.
Other names: c.71T>C, p.Ile24Thr (NM_001297644.1, NM_001297645.2, NM_001318000.2 and 1 more transcripts); short protein forms I24T.
Identifiers: ClinVar variation 1007615 (VCV001007615.5), dbSNP rs781194080, ClinGen allele CA3281827.
Genomic context (GRCh38, chr5:64,774,719, plus strand): 5'-TAATTTAATAAAATGTAATATTCTTTCTACAGGTTTTATTGAAAACTACAGCTGGAGATA[T>C]TGACATAGAGTTGTGGTCCAAAGAAGCTCCTAAAGCTTGCAGAAATTTTATCCAACTTTG-3'
Protein context (NP_005860.2, residues 14-34): KVLLKTTAGD[Ile24Thr]DIELWSKEAP